The following is an entry in ClinVar:

NM_182961.4(SYNE1):c.3930_3931insGG (p.His1311fs)

Gene: SYNE1 (spectrin repeat containing nuclear envelope protein 1; minus strand). Cytogenetic location: 6q25.2.
Variant type: Insertion.
Coding change: c.3930_3931insGG on transcript NM_182961.4 (MANE Select); coding-DNA positions 3930 to 3931, GG inserted.
Protein change: p.His1311fs; shifts the reading frame from histidine 1311.
Molecular consequence: frameshift variant.
Genome position: GRCh38 VCF-style: chr6-152442152-G-GCC. GRCh37 (hg19) VCF-style: chr6-152763287-G-GCC.
Other names: c.3951_3952insGG, p.His1318fs (NM_033071.5); short protein forms H1311fs, H1318fs.
Identifiers: ClinVar variation 208616 (VCV000208616.4), dbSNP rs797045109, ClinGen allele CA276021.

ClinVar aggregate classification (germline): Likely pathogenic (1 of 4 stars; one submission).

Conditions:
Autosomal recessive ataxia, Beauce type. Also called: SYNE1-Related Autosomal Recessive Cerebellar Ataxia; ATAXIA, RECESSIVE, OF BEAUCE; Spinocerebellar ataxia, autosomal recessive 8; SYNE1 Deficiency. Identifiers: Orphanet 88644, MedGen C1853116, MONDO:0012549, OMIM 610743.

Submission:

Laboratory for Molecular Medicine, Mass General Brigham Personalized Medicine
Classification: Likely pathogenic for Spinocerebellar ataxia, autosomal recessive 8. Last evaluated: 2014-12-30. Review status: criteria provided, single submitter. Criteria: LMM Criteria. Collection method: clinical testing. Allele origin: germline. Inheritance: Autosomal recessive inheritance. Observed: 1 variant allele. Study: CSER-MedSeq.
Comment: The His1311ProfsX30 variant in SYNE1 has not been previously reported in individuals with cerebellar ataxia or in large population studies. This variant is predicted to cause a frameshift, which alters the protein’s amino acid sequence beginning at position 1311 and leads to a premature termination codon 30 amino acids downstream. This alteration is then predicted to lead to a truncated or absent protein. Complete loss of SYNE1 functional has been reported in several individuals with autosomal recessive cerebellar ataxia (Gros-Louis 2007, Noreau 2013, Izumi 2013) and SYNE1 loss-of-function variants are rare in control populations, consistent with a pathogenic role. A different loss of function variant in the same exon has been reported in a patient with cerebellar ataxia (Noreau 2013), suggesting that variants in this exon may have an impact on functionally important transcripts. In summary, although additional studies are required to fully establish its clinical significance, the His1311ProfsX30 variant is likely pathogenic for cerebellar ataxia in an autosomal recessive manner.

Literature cited by the submitters: PubMed 17159980; PubMed 23959263; PubMed 23325900.